The following is an entry in ClinVar:

NM_022168.4(IFIH1):c.1046A>G (p.Lys349Arg)

Gene: IFIH1 (interferon induced with helicase C domain 1; minus strand). Cytogenetic location: 2q24.2.
Variant type: single nucleotide variant.
Coding change: c.1046A>G on transcript NM_022168.4 (MANE Select); coding-DNA position 1046, A replaced by G.
Protein change: p.Lys349Arg; replaces lysine 349 with arginine.
Molecular consequence: missense variant.
Genome position (GRCh38, 1-based): chr2:162,288,184, T>C on the plus strand (A>G on the coding strand, the complement: IFIH1 is on the minus strand). VCF-style: chr2-162288184-T-C. GRCh37 (hg19) VCF-style: chr2-163144694-T-C.
Other names: p.Lys349Arg; c.1046A>G, p.Lys349Arg (LRG_1235t1); short protein forms K349R.
Identifiers: ClinVar variation 541789 (VCV000541789.29), dbSNP rs72650664, ClinGen allele CA1934645.

ClinVar aggregate classification (germline): Benign/Likely benign. Review status: criteria provided, multiple submitters, no conflicts (2 of 4 stars). 9 submissions from 9 submitters: Benign (3); Likely benign (3). 3 of the submissions do not count toward it. Last evaluated 2026-06-08.

Conditions:
IFIH1-related disorder. Also called: IFIH1-related condition.
Singleton-Merten syndrome 1 (SGMRT1). Also called: Widened medullary cavities of bone, aortic calcification, abnormal dentition, and muscular weakness; Syndrome of widened medullary cavities of the metacarpals and phalanges, aortic calcification and abnormal dentition. Identifiers: Orphanet 85191, MedGen C4225427, MONDO:0024535, OMIM 182250.
Immunodeficiency 95 (IMD95). Identifiers: MedGen C5676929, MONDO:0030692, OMIM 619773.
Aicardi-Goutieres syndrome 7 (AGS7). Identifiers: Orphanet 51, MedGen C3888244, MONDO:0014367, OMIM 615846.

Allele frequency attached by ClinVar (database versions not stated): gnomAD 0.00111 and 0.00178; TOPMed 0.00119; ESP Exome Variant Server 0.00138; 1000 Genomes Project 0.00319; 1000 Genomes Project 30x 0.00375.
gnomAD v4.1: 4,123 of 1,612,674 alleles (0.26%); highest among the groups gnomAD compares: South Asian, 2%; 39 homozygotes.

Submissions (9):

Women's Health and Genetics/Laboratory Corporation of America, LabCorp
Classification: Likely benign. Last evaluated: 2026-06-08. Review status: criteria provided, single submitter. Criteria: LabCorp Variant Classification Summary - May 2015. Collection method: clinical testing. Allele origin: germline.

CeGaT Center for Human Genetics Tuebingen
Classification: Likely benign. Last evaluated: 2026-06-01. Review status: criteria provided, single submitter. Criteria: CeGaT Center For Human Genetics Tuebingen Variant Classification Criteria Version 2. Collection method: clinical testing. Allele origin: germline. Affected: yes. Observed: 6 variant alleles.
Comment: IFIH1: BP4

Labcorp Genetics (formerly Invitae), Labcorp
Classification: Benign for Aicardi-Goutieres syndrome 7; Singleton-Merten syndrome 1. Last evaluated: 2026-02-03. Review status: criteria provided, single submitter. Criteria: Invitae Variant Classification Sherloc (09022015). Collection method: clinical testing. Allele origin: germline.

Mayo Clinic Laboratories, Mayo Clinic
Classification: Benign. Last evaluated: 2024-06-04. Review status: criteria provided, single submitter. Criteria: ACMG Guidelines, 2015. Collection method: clinical testing. Allele origin: germline. Observed: 5 variant alleles.
Comment: BS1, BS2, BP4

Fulgent Genetics
Classification: Likely benign for Singleton-Merten syndrome 1; Aicardi-Goutieres syndrome 7; Immunodeficiency 95. Last evaluated: 2021-09-13. Review status: criteria provided, single submitter. Criteria: ACMG Guidelines, 2015. Collection method: clinical testing. Allele origin: unknown.

Breakthrough Genomics
Classification: Benign. Review status: criteria provided, single submitter. Criteria: ACMG Guidelines, 2015. Collection method: not provided. Allele origin: germline. Inheritance: Autosomal recessive inheritance. Affected: yes.

PreventionGenetics, part of Exact Sciences
Classification: Benign for IFIH1-related condition. Last evaluated: 2019-03-21. Review status: no assertion criteria provided. Collection method: clinical testing. Allele origin: germline. Not counted in ClinVar's aggregate classification.
Comment: This variant is classified as benign based on ACMG/AMP sequence variant interpretation guidelines (Richards et al. 2015 PMID: 25741868, with internal and published modifications).

Clinical Genetics DNA and cytogenetics Diagnostics Lab, Erasmus MC, Erasmus Medical Center
Classification: Benign. Review status: no assertion criteria provided. Collection method: clinical testing. Allele origin: germline. Affected: yes. Study: VKGL Data-share Consensus. Not counted in ClinVar's aggregate classification.

Genome Diagnostics Laboratory, University Medical Center Utrecht
Classification: Likely benign. Review status: no assertion criteria provided. Collection method: clinical testing. Allele origin: germline. Affected: yes. Study: VKGL Data-share Consensus. Not counted in ClinVar's aggregate classification.